The following is an entry in ClinVar:

NM_001329630.2(PLEKHA7):c.756C>G (p.Ala252=)

Gene: PLEKHA7 (pleckstrin homology domain containing A7; minus strand). Cytogenetic location: 11p15.2.
Variant type: single nucleotide variant.
Coding change: c.756C>G on transcript NM_001329630.2 (MANE Select); coding-DNA position 756, C replaced by G.
Protein change: p.Ala252=; no amino-acid change (alanine 252 retained).
Molecular consequence: synonymous variant.
Genome position (GRCh38, 1-based): chr11:16,841,663, G>C on the plus strand (C>G on the coding strand, the complement: PLEKHA7 is on the minus strand). VCF-style: chr11-16841663-G-C. GRCh37 (hg19) VCF-style: chr11-16863210-G-C.
Other names: c.756C>G, p.Ala252= (NM_001329631.2, NM_175058.5).
Identifiers: ClinVar variation 779351 (VCV000779351.28), dbSNP rs35873274, ClinGen allele CA5899653.
Genomic context (GRCh38, chr11:16,841,663, plus strand): 5'-AGCGTTCATGTCCTCCTGGGTGTCGGCACTGAAGTAGTAGGTCCTCATGCCTGACTGCTC[G>C]GCCTGAGAGCCCGCTGTGGAGCTGTTATAGATGAGCGCTCGCATCCCCGTGTGCACAGCC-3'
Protein context (NP_001316559.1, residues 242-262): IYNSSTAGSQ[Ala252=]EQSGMRTYYF

ClinVar aggregate classification (germline): Benign/Likely benign. Review status: criteria provided, multiple submitters, no conflicts (2 of 4 stars). 3 submissions from 3 submitters: Benign (1); Likely benign (1). 1 of the submissions does not count toward it. Last evaluated 2022-11-01.

Conditions:
PLEKHA7-related disorder. Also called: PLEKHA7-related condition.

Allele frequency attached by ClinVar (database versions not stated): 1000 Genomes Project 0.00160; TOPMed 0.00330; ESP Exome Variant Server 0.00477; 1000 Genomes Project 30x 0.00156.
gnomAD v4.1: 7,734 of 1,614,168 alleles (0.48%); highest among the groups gnomAD compares: Non-Finnish European, 0.58%; 34 homozygotes.

Submissions (3):

CeGaT Center for Human Genetics Tuebingen
Classification: Likely benign. Last evaluated: 2022-11-01. Review status: criteria provided, single submitter. Criteria: CeGaT Center For Human Genetics Tuebingen Variant Classification Criteria Version 2. Collection method: clinical testing. Allele origin: germline. Affected: yes. Observed: 1 variant allele.
Comment: PLEKHA7: BP4, BP7, BS2

Labcorp Genetics (formerly Invitae), Labcorp
Classification: Benign. Last evaluated: 2018-08-28. Review status: criteria provided, single submitter. Criteria: Invitae Variant Classification Sherloc (09022015). Collection method: clinical testing. Allele origin: germline.

PreventionGenetics, part of Exact Sciences
Classification: Likely benign for PLEKHA7-related condition. Last evaluated: 2019-11-27. Review status: no assertion criteria provided. Collection method: clinical testing. Allele origin: germline. Not counted in ClinVar's aggregate classification.
Comment: This variant is classified as likely benign based on ACMG/AMP sequence variant interpretation guidelines (Richards et al. 2015 PMID: 25741868, with internal and published modifications).